The following is an entry in ClinVar:

NM_000255.4(MMUT):c.947A>G (p.Tyr316Cys)

Gene: MMUT (methylmalonyl-CoA mutase; minus strand). Cytogenetic location: 6p12.3.
Variant type: single nucleotide variant.
Coding change: c.947A>G on transcript NM_000255.4 (MANE Select); coding-DNA position 947, A replaced by G.
Protein change: p.Tyr316Cys; replaces tyrosine 316 with cysteine.
Molecular consequence: missense variant.
Genome position (GRCh38, 1-based): chr6:49,453,721, T>C on the plus strand (A>G on the coding strand, the complement: MMUT is on the minus strand). VCF-style: chr6-49453721-T-C. GRCh37 (hg19) VCF-style: chr6-49421434-T-C.
Other names: short protein forms Y316C.
Identifiers: ClinVar variation 640484 (VCV000640484.17), dbSNP rs781474200, ClinGen allele CA3846999.

ClinVar aggregate classification (germline): Pathogenic/Likely pathogenic. Review status: criteria provided, multiple submitters, no conflicts (2 of 4 stars). 7 submissions from 7 submitters: Pathogenic (3); Likely pathogenic (4). Last evaluated 2026-03-12.

Conditions:
Methylmalonic aciduria due to complete methylmalonyl-CoA mutase deficiency.
Methylmalonic acidemia (MMA). Also called: Isolated Methylmalonic Acidemia. Identifiers: MedGen C0268583, MeSH C537358, MONDO:0002012, HP:0002912.
Methylmalonic aciduria due to methylmalonyl-CoA mutase deficiency (MAMM). Also called: Methylmalonic aciduria, mut type. Identifiers: Orphanet 27, MedGen C1855114, MONDO:0009612, OMIM 251000.

Allele frequency attached by ClinVar (database versions not stated): ExAC 0.00001; gnomAD exomes 0.00003 and 0.00002; gnomAD 0.00005 and 0.00006; TOPMed 0.00005.
gnomAD v4.1: 44 of 1,613,144 alleles (0.0027%); highest among the groups gnomAD compares: Non-Finnish European, 0.0035%; no homozygotes.

Submissions (7):

GeneDx
Classification: Pathogenic. Last evaluated: 2026-03-12. Review status: criteria provided, single submitter. Criteria: GeneDx Variant Classification Process June 2021. Collection method: clinical testing. Allele origin: germline.
Comment: Published functional studies suggest a damaging effect of reduced enzyme activity (PMID: 25125334); Not observed at significant frequency in large population cohorts (gnomAD); In silico analysis supports that this missense variant has a deleterious effect on protein structure/function; This variant is associated with the following publications: (PMID: 34426522, 16281286, 25125334)

Natera, Inc.
Classification: Likely pathogenic for Methylmalonic aciduria due to complete methylmalonyl-CoA mutase deficiency. Last evaluated: 2025-12-10. Review status: criteria provided, single submitter. Criteria: Natera Variant Classification Schema (03/2026). Collection method: clinical testing. Allele origin: germline.
Comment: The c.947A>G variant in MMUT is a missense variant predicted to cause substitution of tyrosine to cysteine at amino acid 316. This variant is rare in the general population with a frequency below the threshold expected for the associated phenotype(s). This variant has been observed in one or more individuals affected with the associated recessive disease, as either homozygous or compound heterozygous with a second variant (PMID: 16281286). Computational prediction algorithms indicate this variant is likely to affect gene or protein function. Given the available evidence, this variant is classified as Likely Pathogenic.

Women's Health and Genetics/Laboratory Corporation of America, LabCorp
Classification: Pathogenic for Methylmalonic acidemia. Last evaluated: 2025-09-24. Review status: criteria provided, single submitter. Criteria: LabCorp Variant Classification Summary - May 2015. Collection method: clinical testing. Allele origin: germline.
Comment: Variant summary: MMUT c.947A>G (p.Tyr316Cys) results in a non-conservative amino acid change in the encoded protein sequence. Algorithms developed to predict the effect of missense changes on protein structure and function all suggest that this variant is likely to be disruptive. The frequency of this variant in the general population could not be determined as the technology used for large population databases (ExAC, gnomAD, ESP, 1000G) cannot detect variants of this type. c.947A>G has been observed in individual(s) affected with Methylmalonic Acidemia (Worgan_2006, internal data). These data indicate that the variant may be associated with disease. At least one publication reports experimental evidence evaluating an impact on protein function. The most pronounced variant effect results in significantly reduced enzyme activity (Forny_2014). The following publications have been ascertained in the context of this evaluation (PMID: 25125334, 16281286). ClinVar contains an entry for this variant (Variation ID: 640484). Based on the evidence outlined above, the variant was classified as pathogenic.

Dasa
Classification: Likely pathogenic. Last evaluated: 2025-07-21. Review status: criteria provided, single submitter. Criteria: DASA Assertion Criteria. Collection method: clinical testing. Allele origin: germline.
Comment: NM_000255.4(MMUT):c.947A>G (p.Tyr316Cys) is a missense variant that results in the substitution of tyrosine with cysteine. The affected residue or protein region has prior evidence supporting clinical relevance. This variant has been reported in individuals with MMUT-related disorders (PMID: 16281286). Also, this variant is rare in population databases. Computational evidence supports a deleterious effect. Based on the currently available evidence, this variant is classified as likely pathogenic.

Labcorp Genetics (formerly Invitae), Labcorp
Classification: Pathogenic. Last evaluated: 2024-01-28. Review status: criteria provided, single submitter. Criteria: Invitae Variant Classification Sherloc (09022015). Collection method: clinical testing. Allele origin: germline.
Comment: This sequence change replaces tyrosine, which is neutral and polar, with cysteine, which is neutral and slightly polar, at codon 316 of the MUT protein (p.Tyr316Cys). This variant is present in population databases (rs781474200, gnomAD 0.007%). This missense change has been observed in individual(s) with methylmalonic acidemia (PMID: 16281286; Invitae). ClinVar contains an entry for this variant (Variation ID: 640484). Advanced modeling of protein sequence and biophysical properties (such as structural, functional, and spatial information, amino acid conservation, physicochemical variation, residue mobility, and thermodynamic stability) performed at Invitae indicates that this missense variant is expected to disrupt MUT protein function with a positive predictive value of 95%. Experimental studies have shown that this missense change does not substantially affect MUT function (PMID: 25125334). For these reasons, this variant has been classified as Pathogenic.

Fulgent Genetics
Classification: Likely pathogenic for Methylmalonic aciduria due to methylmalonyl-CoA mutase deficiency. Last evaluated: 2022-05-24. Review status: criteria provided, single submitter. Criteria: ACMG Guidelines, 2015. Collection method: clinical testing. Allele origin: unknown.

Laboratorio de Genetica e Diagnostico Molecular, Hospital Israelita Albert Einstein
Classification: Likely pathogenic for Methylmalonic aciduria due to methylmalonyl-CoA mutase deficiency. Last evaluated: 2022-01-19. Review status: criteria provided, single submitter. Criteria: ACMG Guidelines, 2015. Collection method: clinical testing. Allele origin: germline. Affected: yes.
Comment: ACMG classification criteria: PS4 moderate, PM2 moderate, PM3 moderate, PP3 supporting, PP4 supporting

Literature cited by the submitters: PubMed 16281286 (cited by 4 submitters); PubMed 25125334 (cited by Women's Health and Genetics/Laboratory Corporation of America, LabCorp and Labcorp Genetics (formerly Invitae), Labcorp).